The following is an entry in ClinVar:

ClinVar aggregate classification (germline): Benign/Likely benign. Review status: criteria provided, multiple submitters, no conflicts (2 of 4 stars). 3 submissions from 3 submitters: Benign (1); Likely benign (2). Last evaluated 2025-03-23.

Conditions:
Hereditary cancer-predisposing syndrome. Also called: Tumor predisposition; Hereditary Cancer Syndrome; Neoplastic Syndromes, Hereditary; Hereditary neoplastic syndrome. Identifiers: Orphanet 140162, MedGen C0027672, MeSH D009386, MONDO:0015356.
Multiple endocrine neoplasia, type 1 (MEN1). Also called: MEA I; MEN I; WERMER SYNDROME; Endocrine adenomatosis multiple; MEN 1. Identifiers: Orphanet 652, MedGen C0025267, MeSH D018761, MONDO:0007540, OMIM 131100.

Submissions (3):

Labcorp Genetics (formerly Invitae), Labcorp
Classification: Likely benign for Multiple endocrine neoplasia, type 1. Last evaluated: 2025-03-23. Review status: criteria provided, single submitter. Criteria: Invitae Variant Classification Sherloc (09022015). Collection method: clinical testing. Allele origin: germline.

Myriad Genetics, Inc.
Classification: Benign for Multiple endocrine neoplasia, type 1. Last evaluated: 2024-11-04. Review status: criteria provided, single submitter. Criteria: Myriad Autosomal Dominant, Autosomal Recessive and X-Linked Classification Criteria (2023). Collection method: clinical testing. Allele origin: unknown.
Comment: This variant is considered benign. This variant is a silent/synonymous amino acid change and it is not expected to impact splicing.

Ambry Genetics
Classification: Likely benign for Hereditary cancer-predisposing syndrome. Last evaluated: 2019-06-29. Review status: criteria provided, single submitter. Criteria: Ambry Variant Classification Scheme 2023. Collection method: clinical testing. Allele origin: germline.

NM_001370259.2(MEN1):c.1065G>C (p.Arg355=)

Gene: MEN1 (menin 1; minus strand). Cytogenetic location: 11q13.1.
Variant type: single nucleotide variant.
Coding change: c.1065G>C on transcript NM_001370259.2 (MANE Select); coding-DNA position 1065, G replaced by C.
Protein change: p.Arg355=; no amino-acid change (arginine 355 retained).
Molecular consequence: synonymous variant.
Genome position (GRCh38, 1-based): chr11:64,805,755, C>G on the plus strand (G>C on the coding strand, the complement: MEN1 is on the minus strand). VCF-style: chr11-64805755-C-G. GRCh37 (hg19) VCF-style: chr11-64573227-C-G.
Other names: c.1080G>C, p.Arg360= (NM_000244.4, NM_130800.3, NM_130801.3 and 3 more transcripts); c.1191G>C, p.Arg397= (NM_001370251.2); c.1065G>C, p.Arg355= (NM_001370260.2, NM_001370261.2, NM_130799.3); c.960G>C, p.Arg320= (NM_001370262.2, NM_001370263.2).
Identifiers: ClinVar variation 754100 (VCV000754100.12), dbSNP rs1592640719, ClinGen allele CA474983171.